The following is an entry in ClinVar:

NM_139076.3(ABRAXAS1):c.23C>G (p.Ala8Gly)

Genes: ABRAXAS1 (abraxas 1, BRCA1 A complex subunit; minus strand), LOC129992784 (ATAC-STARR-seq lymphoblastoid silent region 15542; plus strand). Cytogenetic location: 4q21.23.
Variant type: single nucleotide variant.
Coding change: c.23C>G on transcript NM_139076.3 (MANE Select); coding-DNA position 23, C replaced by G.
Protein change: p.Ala8Gly; replaces alanine 8 with glycine.
Molecular consequence: missense variant. On other transcripts: 5 prime UTR variant (1).
Genome position (GRCh38, 1-based): chr4:83,485,050, G>C on the plus strand (C>G on the coding strand, the complement: ABRAXAS1 is on the minus strand). VCF-style: chr4-83485050-G-C. GRCh37 (hg19) VCF-style: chr4-84406203-G-C.
Other names: c.-238C>G (NM_001345962.2); short protein forms A8G.
Identifiers: ClinVar variation 3229145 (VCV003229145.1), dbSNP rs1484318861, ClinGen allele CA357264067.

ClinVar aggregate classification (germline): Uncertain significance (1 of 4 stars; one submission).

Submission:

Ambry Genetics
Classification: Uncertain significance. Last evaluated: 2023-10-19. Review status: criteria provided, single submitter. Criteria: Ambry Variant Classification Scheme 2023. Collection method: clinical testing. Allele origin: germline.
Comment: The p.A8G variant (also known as c.23C>G), located in coding exon 1 of the FAM175A gene, results from a C to G substitution at nucleotide position 23. The alanine at codon 8 is replaced by glycine, an amino acid with similar properties. This amino acid position is conserved. In addition, this alteration is predicted to be tolerated by in silico analysis. Since supporting evidence is limited at this time, the clinical significance of this alteration remains unclear.